The following is an entry in ClinVar:

ClinVar aggregate classification (germline): Uncertain significance (1 of 4 stars; one submission).

gnomAD v4.1: 1 of 1,613,428 alleles (0.000062%); highest among the groups gnomAD compares: South Asian, 0.0011%; no homozygotes.

Submission:

GeneDx
Classification: Uncertain significance. Last evaluated: 2025-05-15. Review status: criteria provided, single submitter. Criteria: GeneDx Variant Classification Process June 2021. Collection method: clinical testing. Allele origin: germline. Affected: yes.
Comment: Not observed at significant frequency in large population cohorts (gnomAD); In silico analysis supports that this missense variant has a deleterious effect on protein structure/function; Has not been previously published as pathogenic or benign to our knowledge

NM_002473.6(MYH9):c.2378A>G (p.Tyr793Cys)

Gene: MYH9 (myosin heavy chain 9; minus strand). Cytogenetic location: 22q12.3.
Variant type: single nucleotide variant.
Coding change: c.2378A>G on transcript NM_002473.6 (MANE Select); coding-DNA position 2378, A replaced by G.
Protein change: p.Tyr793Cys; replaces tyrosine 793 with cysteine.
Molecular consequence: missense variant.
Genome position (GRCh38, 1-based): chr22:36,304,007, T>C on the plus strand (A>G on the coding strand, the complement: MYH9 is on the minus strand). VCF-style: chr22-36304007-T-C. GRCh37 (hg19) VCF-style: chr22-36700053-T-C.
Other names: short protein forms Y793C.
Identifiers: ClinVar variation 4530811 (VCV004530811.1).